The following is an entry in ClinVar:

NC_000015.10:g.(?_42359796)_(42399662_?)del

Genes: CAPN3 (calpain 3; plus strand), LOC126862115 (BRD4-independent group 4 enhancer GRCh37_chr15:42677734-42678933; plus strand). Cytogenetic location: 15q15.1.
Variant type: Deletion.
Identifiers: ClinVar variation 647946 (VCV000647946.8).

ClinVar aggregate classification (germline): Pathogenic (1 of 4 stars; one submission).

Conditions:
Autosomal recessive limb-girdle muscular dystrophy type 2A (LGMDR1). Also called: Limb-girdle muscular dystrophy, type 2A; Muscular dystrophy, limb-girdle, type 2A, Amish; LEYDEN-MOEBIUS MUSCULAR DYSTROPHY; MUSCULAR DYSTROPHY, PELVOFEMORAL; Calpainopathy. Identifiers: Orphanet 267, MedGen C1869123, MONDO:0009675, OMIM 253600. Disease mechanism: loss of function.

Submission:

Labcorp Genetics (formerly Invitae), Labcorp
Classification: Pathogenic for Autosomal recessive limb-girdle muscular dystrophy type 2A. Last evaluated: 2021-01-20. Review status: criteria provided, single submitter. Criteria: Invitae Variant Classification Sherloc (09022015). Collection method: clinical testing. Allele origin: germline.
Comment: For these reasons, this variant has been classified as Pathogenic. Loss-of-function variants in CAPN3 are known to be pathogenic (PMID: 10330340, 15689361). This variant has not been reported in the literature in individuals with CAPN3-related conditions. This variant is a gross deletion of the genomic region encompassing exons 1-10 of the CAPN3 gene, which includes the initiator codon. The 5' end of this event is unknown as it extends beyond the assayed region for this gene and therefore may encompass additional genes. The 3' boundary is likely confined to intron 10 of the CAPN3 gene. This is expected to result in an absent or disrupted protein product.

Literature cited by the submitters: PubMed 10330340; PubMed 15689361.